The following is an entry in ClinVar:

ClinVar aggregate classification (germline): Uncertain significance (1 of 4 stars; one submission).

Allele frequency attached by ClinVar (database versions not stated): TOPMed below 0.00001.

Submission:

GeneDx
Classification: Uncertain significance. Last evaluated: 2022-09-19. Review status: criteria provided, single submitter. Criteria: GeneDx Variant Classification Process June 2021. Collection method: clinical testing. Allele origin: germline. Affected: yes.
Comment: Not observed at significant frequency in large population cohorts (gnomAD); In silico analysis supports that this missense variant has a deleterious effect on protein structure/function; Has not been previously published as pathogenic or benign to our knowledge

NM_013436.5(NCKAP1):c.2195A>C (p.Glu732Ala)

Gene: NCKAP1 (NCK associated protein 1; minus strand). Cytogenetic location: 2q32.1.
Variant type: single nucleotide variant.
Coding change: c.2195A>C on transcript NM_013436.5 (MANE Select); coding-DNA position 2195, A replaced by C.
Protein change: p.Glu732Ala; replaces glutamic acid 732 with alanine.
Molecular consequence: missense variant.
Genome position (GRCh38, 1-based): chr2:182,953,290, T>G on the plus strand (A>C on the coding strand, the complement: NCKAP1 is on the minus strand). VCF-style: chr2-182953290-T-G. GRCh37 (hg19) VCF-style: chr2-183818018-T-G.
Other names: c.2213A>C, p.Glu738Ala (NM_205842.3); short protein forms E732A, E738A.
Identifiers: ClinVar variation 2444526 (VCV002444526.1), dbSNP rs1697256636, ClinGen allele CA349757857.